The following is an entry in ClinVar:

NM_000051.4(ATM):c.6280G>T (p.Glu2094Ter)

Genes: ATM (ATM serine/threonine kinase; plus strand), C11orf65 (chromosome 11 open reading frame 65; minus strand). Cytogenetic location: 11q22.3.
Variant type: single nucleotide variant.
Coding change: c.6280G>T on transcript NM_000051.4 (MANE Select); coding-DNA position 6280, G replaced by T.
Protein change: p.Glu2094Ter; replaces glutamic acid 2094 with a stop codon.
Molecular consequence: nonsense. On other transcripts: intron variant (2).
Genome position (GRCh38, 1-based): chr11:108,317,454, G>T. VCF-style: chr11-108317454-G-T. GRCh37 (hg19) VCF-style: chr11-108188181-G-T.
Other names: c.6280G>T, p.Glu2094Ter (NM_001351834.2); c.641-8383C>A (NM_001330368.2); c.*39-8383C>A (NM_001351110.2); short protein forms E2094*.
Identifiers: ClinVar variation 632651 (VCV000632651.8), dbSNP rs1565503182, ClinGen allele CA382552001.
Genomic context (GRCh38, chr11:108,317,454, plus strand): 5'-TGCCATATTCTTTCCGTCTATTTAAAAGGATTGGATTATGAAAATAAAGACTGGTGTCCT[G>T]AACTAGAAGAACTTCATTACCAAGCAGCATGGAGGAATATGCAGTGGGACCATTGCACTT-3'

ClinVar aggregate classification (germline): Pathogenic/Likely pathogenic. Review status: criteria provided, multiple submitters, no conflicts (2 of 4 stars). 3 submissions from 3 submitters: Pathogenic (1); Likely pathogenic (2). Last evaluated 2023-06-21.

Conditions:
Ataxia-telangiectasia syndrome (AT). Also called: Ataxia-telangiectasia, complementation group D; AT, COMPLEMENTATION GROUP C; ATAXIA-TELANGIECTASIA, COMPLEMENTATION GROUP A; ATAXIA-TELANGIECTASIA, FRESNO VARIANT; Ataxia-telangiectasia; LOUIS-BAR SYNDROME. Identifiers: Orphanet 100, MedGen C0004135, MONDO:0008840, OMIM 208900.
Familial cancer of breast. Also called: Hereditary breast cancer; BREAST CANCER, FAMILIAL; hereditary breast carcinoma. Identifiers: Orphanet 227535, MedGen C0346153, MONDO:0016419, OMIM 114480. Disease mechanism: loss of function.

Submissions (3):

Labcorp Genetics (formerly Invitae), Labcorp
Classification: Pathogenic for Ataxia-telangiectasia syndrome. Last evaluated: 2023-06-21. Review status: criteria provided, single submitter. Criteria: Invitae Variant Classification Sherloc (09022015). Collection method: clinical testing. Allele origin: germline.
Comment: This sequence change creates a premature translational stop signal (p.Glu2094*) in the ATM gene. It is expected to result in an absent or disrupted protein product. Loss-of-function variants in ATM are known to be pathogenic (PMID: 23807571, 25614872). This variant is not present in population databases (gnomAD no frequency). This variant has not been reported in the literature in individuals affected with ATM-related conditions. ClinVar contains an entry for this variant (Variation ID: 632651). For these reasons, this variant has been classified as Pathogenic.

Baylor Genetics
Classification: Likely pathogenic for Familial cancer of breast. Last evaluated: 2022-04-26. Review status: criteria provided, single submitter. Criteria: ACMG Guidelines, 2015. Collection method: clinical testing. Allele origin: unknown.

Women's Health and Genetics/Laboratory Corporation of America, LabCorp
Classification: Likely pathogenic for Ataxia-telangiectasia syndrome. Last evaluated: 2021-12-02. Review status: criteria provided, single submitter. Criteria: LabCorp Variant Classification Summary - May 2015. Collection method: clinical testing. Allele origin: germline.
Comment: Variant summary: ATM c.6280G>T (p.Glu2094X) results in a premature termination codon, predicted to cause a truncation of the encoded protein or absence of the protein due to nonsense mediated decay, which are commonly known mechanisms for disease. Truncations downstream of this position have been classified as pathogenic by our laboratory. The variant was absent in 251416 control chromosomes (gnomAD). To our knowledge, no occurrence of c.6280G>T in individuals affected with Ataxia-Telangiectasia and no experimental evidence demonstrating its impact on protein function have been reported. No clinical diagnostic laboratories have submitted clinical-significance assessments for this variant to ClinVar after 2014. Based on the evidence outlined above, the variant was classified as likely pathogenic.

Literature cited by the submitters: PubMed 23807571 (cited by Labcorp Genetics (formerly Invitae), Labcorp); PubMed 25614872 (cited by Labcorp Genetics (formerly Invitae), Labcorp).